The following is an entry in ClinVar:

NM_003200.5(TCF3):c.500-12T>A

Gene: TCF3 (transcription factor 3; minus strand). Cytogenetic location: 19p13.3.
Variant type: single nucleotide variant.
Coding change: c.500-12T>A on transcript NM_003200.5 (MANE Select); 12 bases into the intron before coding-DNA position 500, T replaced by A.
Molecular consequence: intron variant.
Genome position (GRCh38, 1-based): chr19:1,624,012, A>T on the plus strand (T>A on the coding strand, the complement: TCF3 is on the minus strand). VCF-style: chr19-1624012-A-T. GRCh37 (hg19) VCF-style: chr19-1624011-A-T.
Other names: c.500-12T>A (NM_001351778.2, NM_001136139.4, NM_001351779.2).
Identifiers: ClinVar variation 4721474 (VCV004721474.1).

ClinVar aggregate classification (germline): Uncertain significance (1 of 4 stars; one submission).

gnomAD v4.1: 1 of 1,613,110 alleles (0.000062%); highest among the groups gnomAD compares: Non-Finnish European, 0.000085%; no homozygotes.

Submission:

Labcorp Genetics (formerly Invitae), Labcorp
Classification: Uncertain significance. Last evaluated: 2025-06-23. Review status: criteria provided, single submitter. Criteria: Invitae Variant Classification Sherloc (09022015). Collection method: clinical testing. Allele origin: germline.
Comment: This sequence change falls in intron 7 of the TCF3 gene. It does not directly change the encoded amino acid sequence of the TCF3 protein. This variant is not present in population databases (gnomAD no frequency). This variant has not been reported in the literature in individuals affected with TCF3-related conditions. Algorithms developed to predict the effect of sequence changes on RNA splicing suggest that this variant may disrupt the consensus splice site. In summary, the available evidence is currently insufficient to determine the role of this variant in disease. Therefore, it has been classified as a Variant of Uncertain Significance.